The following is an entry in ClinVar:

NM_033004.4(NLRP1):c.3280_3283del (p.Glu1094fs)

Gene: NLRP1 (NLR family pyrin domain containing 1; minus strand). Cytogenetic location: 17p13.2.
Variant type: Deletion.
Coding change: c.3280_3283del on transcript NM_033004.4 (MANE Select); coding-DNA positions 3280 to 3283, 4 bases deleted (GAAA; older notation c.3280_3283delGAAA).
Protein change: p.Glu1094fs; shifts the reading frame from glutamic acid 1094.
Molecular consequence: frameshift variant.
Genome position (GRCh38, 1-based): chr17:5,532,835-5,532,838, TTTC deleted on the plus strand (GAAA on the coding strand, the reverse complement: NLRP1 is on the minus strand); deleting any 4 consecutive bases within chr17:5,532,835-5,532,841 gives the same sequence; the c. name uses the placement nearest the transcript's 3' end. VCF-style (leftmost placement, unchanged base first): chr17-5532834-TTTTC-T. GRCh37 (hg19) VCF-style: chr17-5436154-TTTTC-T.
Other names: c.3292_3295del, p.Glu1098fs (NM_001033053.3); c.3280_3283del, p.Glu1094fs (NM_014922.5); c.3190_3193del, p.Glu1064fs (NM_033006.4, NM_033007.4); short protein forms E1064fs, E1094fs, E1098fs.
Identifiers: ClinVar variation 2970262 (VCV002970262.3), dbSNP rs1910487925, ClinGen allele CA2244916180.

ClinVar aggregate classification (germline): Uncertain significance (1 of 4 stars; one submission).

Submission:

Labcorp Genetics (formerly Invitae), Labcorp
Classification: Uncertain significance. Last evaluated: 2023-09-18. Review status: criteria provided, single submitter. Criteria: Invitae Variant Classification Sherloc (09022015). Collection method: clinical testing. Allele origin: germline.
Comment: In summary, the available evidence is currently insufficient to determine the role of this variant in disease. Therefore, it has been classified as a Variant of Uncertain Significance. Algorithms developed to predict the effect of sequence changes on RNA splicing suggest that this variant may create or strengthen a splice site. This variant has not been reported in the literature in individuals affected with NLRP1-related conditions. This variant is not present in population databases (gnomAD no frequency). This sequence change creates a premature translational stop signal (p.Glu1094Argfs*10) in the NLRP1 gene. It is expected to result in an absent or disrupted protein product. However, the current clinical and genetic evidence is not sufficient to establish whether loss-of-function variants in NLRP1 cause disease.